The following is an entry in ClinVar:

NM_005204.4(MAP3K8):c.835G>A (p.Glu279Lys)

Gene: MAP3K8 (mitogen-activated protein kinase kinase kinase 8; plus strand). Cytogenetic location: 10p11.23.
Variant type: single nucleotide variant.
Coding change: c.835G>A on transcript NM_005204.4 (MANE Select); coding-DNA position 835, G replaced by A.
Protein change: p.Glu279Lys; replaces glutamic acid 279 with lysine.
Molecular consequence: missense variant.
Genome position (GRCh38, 1-based): chr10:30,451,706, G>A. VCF-style: chr10-30451706-G-A. GRCh37 (hg19) VCF-style: chr10-30740635-G-A.
Other names: c.835G>A, p.Glu279Lys (NM_001244134.1, NM_001320961.2); short protein forms E279K.
Identifiers: ClinVar variation 1912202 (VCV001912202.5), dbSNP rs751299982, ClinGen allele CA5459740.
Genomic context (GRCh38, chr10:30,451,706, plus strand): 5'-ATTGTTTTCATGTCCACAAAAGCTGTTTTGGTGGATTTTGGCCTAAGTGTTCAAATGACC[G>A]AAGATGTCTATTTTCCTAAGGACCTCCGAGGAACAGAGGTAATTATGTTCACATGAAAAG-3'
Protein context (NP_005195.2, residues 269-289): VDFGLSVQMT[Glu279Lys]DVYFPKDLRG

ClinVar aggregate classification (germline): Uncertain significance (1 of 4 stars; one submission).

Allele frequency attached by ClinVar (database versions not stated): gnomAD 0.00001; ExAC 0.00002; gnomAD exomes 0.00002; TOPMed 0.00002.
gnomAD v4.1: 32 of 1,593,062 alleles (0.002%); highest among the groups gnomAD compares: Non-Finnish European, 0.0021%; no homozygotes.

Submission:

Labcorp Genetics (formerly Invitae), Labcorp
Classification: Uncertain significance. Last evaluated: 2024-04-11. Review status: criteria provided, single submitter. Criteria: Invitae Variant Classification Sherloc (09022015). Collection method: clinical testing. Allele origin: germline.
Comment: This sequence change replaces glutamic acid, which is acidic and polar, with lysine, which is basic and polar, at codon 279 of the MAP3K8 protein (p.Glu279Lys). This variant is present in population databases (rs751299982, gnomAD 0.01%). This variant has not been reported in the literature in individuals affected with MAP3K8-related conditions. ClinVar contains an entry for this variant (Variation ID: 1912202). An algorithm developed to predict the effect of missense changes on protein structure and function (PolyPhen-2) suggests that this variant is likely to be tolerated. In summary, the available evidence is currently insufficient to determine the role of this variant in disease. Therefore, it has been classified as a Variant of Uncertain Significance.